The following is an entry in ClinVar:

NM_032833.5(PPP1R15B):c.1380T>C (p.Asp460=)

Gene: PPP1R15B (protein phosphatase 1 regulatory subunit 15B; minus strand). Cytogenetic location: 1q32.1.
Variant type: single nucleotide variant.
Coding change: c.1380T>C on transcript NM_032833.5 (MANE Select); coding-DNA position 1380, T replaced by C.
Protein change: p.Asp460=; no amino-acid change (aspartic acid 460 retained).
Molecular consequence: synonymous variant.
Genome position (GRCh38, 1-based): chr1:204,410,032, A>G on the plus strand (T>C on the coding strand, the complement: PPP1R15B is on the minus strand). VCF-style: chr1-204410032-A-G. GRCh37 (hg19) VCF-style: chr1-204379160-A-G.
Identifiers: ClinVar variation 3905485 (VCV003905485.10).

ClinVar aggregate classification (germline): Likely benign (1 of 4 stars; one submission).

gnomAD v4.1: 22 of 1,613,710 alleles (0.0014%); highest among the groups gnomAD compares: African/African-American, 0.004%; no homozygotes.

Submission:

CeGaT Center for Human Genetics Tuebingen
Classification: Likely benign. Last evaluated: 2025-06-01. Review status: criteria provided, single submitter. Criteria: CeGaT Center For Human Genetics Tuebingen Variant Classification Criteria Version 2. Collection method: clinical testing. Allele origin: germline. Affected: yes. Observed: 1 variant allele.
Comment: PPP1R15B: BP4, BP7